The following is an entry in ClinVar:

NM_015978.3(TNNI3K):c.964del (p.Val322fs)

Genes: TNNI3K (TNNI3 interacting kinase; plus strand), FPGT-TNNI3K (FPGT-TNNI3K readthrough; plus strand). Cytogenetic location: 1p31.1.
Variant type: Deletion.
Coding change: c.964del on transcript NM_015978.3 (MANE Select); coding-DNA position 964, one base deleted (G; older notation c.964delG).
Protein change: p.Val322fs; shifts the reading frame from valine 322.
Molecular consequence: frameshift variant.
Genome position (GRCh38, 1-based): chr1:74,353,297, G deleted. VCF-style (leftmost placement, unchanged base first): chr1-74353296-AG-A. GRCh37 (hg19) VCF-style: chr1-74818980-AG-A.
Other names: c.1267del, p.Val423fs (NM_001112808.3, NM_001199327.2); short protein forms V423fs, V322fs.
Identifiers: ClinVar variation 2968995 (VCV002968995.4), dbSNP rs769512157, ClinGen allele CA909095.
Genomic context (GRCh38, chr1:74,353,296, plus strand): 5'-TCTTTCTTGTTTTATGGTTTTTTTTTTCAGTGCTTGTACCTATGGCAAGAGCATTGACCT[AG>A]TCAAATTTCTTCTTGATCAGAATGTCATAAACATCAACCACCAAGGAAGGGATGGGCACA-3'

ClinVar aggregate classification (germline): Uncertain significance. Review status: criteria provided, multiple submitters, no conflicts (2 of 4 stars). 2 submissions from 2 submitters: Uncertain significance (2). Last evaluated 2026-02-13.

Allele frequency attached by ClinVar (database versions not stated): gnomAD exomes 0.00001; TOPMed 0.00001; ExAC 0.00002; gnomAD 0.00002.

Submissions (2):

GeneDx
Classification: Uncertain significance. Last evaluated: 2026-02-13. Review status: criteria provided, single submitter. Criteria: GeneDx Variant Classification Process June 2021. Collection method: clinical testing. Allele origin: germline.
Comment: Not observed at significant frequency in large population cohorts (gnomAD); Frameshift variant predicted to result in protein truncation or nonsense mediated decay in a gene or region of a gene for which loss of function is not a well-established mechanism of disease; Has not been previously published as pathogenic or benign to our knowledge

Labcorp Genetics (formerly Invitae), Labcorp
Classification: Uncertain significance. Last evaluated: 2024-11-11. Review status: criteria provided, single submitter. Criteria: Invitae Variant Classification Sherloc (09022015). Collection method: clinical testing. Allele origin: germline.
Comment: This sequence change creates a premature translational stop signal (p.Val322Serfs*10) in the TNNI3K gene. It is expected to result in an absent or disrupted protein product. However, the current clinical and genetic evidence is not sufficient to establish whether loss-of-function variants in TNNI3K cause disease. This variant is present in population databases (rs769512157, gnomAD 0.004%). This variant has not been reported in the literature in individuals affected with TNNI3K-related conditions. ClinVar contains an entry for this variant (Variation ID: 2968995). Algorithms developed to predict the effect of sequence changes on RNA splicing suggest that this variant may disrupt the consensus splice site. In summary, the available evidence is currently insufficient to determine the role of this variant in disease. Therefore, it has been classified as a Variant of Uncertain Significance.